The following is an entry in ClinVar:

ClinVar aggregate classification (germline): Uncertain significance. Review status: criteria provided, single submitter (1 of 4 stars). 2 submissions from 2 submitters: Uncertain significance (1). 1 of the submissions does not count toward it. Last evaluated 2023-10-11.

Conditions:
Ehlers-Danlos syndrome, spondylodysplastic type, 2 (EDSSPD2). Also called: Ehlers-Danlos syndrome, progeroid type, 2. Identifiers: Orphanet 536467, Orphanet 75496, MedGen C3809210, MONDO:0014139, OMIM 615349.

Submissions (2):

Mayo Clinic Laboratories, Mayo Clinic
Classification: Uncertain significance. Last evaluated: 2023-10-11. Review status: criteria provided, single submitter. Criteria: ACMG Guidelines, 2015. Collection method: clinical testing. Allele origin: germline. Observed: 1 variant allele.
Comment: PP4, PM2, PM4

OMIM
Classification: Pathogenic for EHLERS-DANLOS SYNDROME, SPONDYLODYSPLASTIC TYPE, 2. Last evaluated: 2013-06-06. Review status: no assertion criteria provided. Collection method: literature only. Allele origin: germline. Not counted in ClinVar's aggregate classification.

Literature cited by the submitters: PubMed 23664117 (cited by Mayo Clinic Laboratories, Mayo Clinic and OMIM).

NM_080605.4(B3GALT6):c.415_423del (p.Met139_Ala141del)

Gene: B3GALT6 (beta-1,3-galactosyltransferase 6; plus strand). Cytogenetic location: 1p36.33.
Variant type: Deletion.
Coding change: c.415_423del on transcript NM_080605.4 (MANE Select); coding-DNA positions 415 to 423, 9 bases deleted (ATGCTGGCC; older notation c.415_423delATGCTGGCC).
Protein change: p.Met139_Ala141del.
Molecular consequence: inframe deletion.
Genome position (GRCh38, 1-based): chr1:1,232,693-1,232,701, ATGCTGGCC deleted; deleting any 9 consecutive bases within chr1:1,232,685-1,232,701 gives the same sequence; the c. name uses the placement nearest the transcript's 3' end. VCF-style (leftmost placement, unchanged base first): chr1-1232684-GTGCTGGCCA-G. GRCh37 (hg19) VCF-style: chr1-1168064-GTGCTGGCCA-G.
Other names: B3GALT6, 9-BP DEL, NT415; p.Met139_Ala141del.
Identifiers: ClinVar variation 60494 (VCV000060494.2), dbSNP rs786200942, ClinGen allele CA144532.